The following is an entry in ClinVar:

ClinVar aggregate classification (germline): Uncertain significance. Review status: criteria provided, multiple submitters, no conflicts (2 of 4 stars). 2 submissions from 2 submitters: Uncertain significance (2). Last evaluated 2023-11-21.

Conditions:
Inborn genetic diseases. Identifiers: MedGen C0950123, MeSH D030342.

Allele frequency attached by ClinVar (database versions not stated): ExAC 0.00001; gnomAD exomes 0.00001; gnomAD 0.00008 and 0.00009; TOPMed 0.00014.
gnomAD v4.1: 26 of 1,610,486 alleles (0.0016%); highest among the groups gnomAD compares: Admixed American, 0.025%; no homozygotes.

Submissions (2):

Ambry Genetics
Classification: Uncertain significance for Inborn genetic diseases. Last evaluated: 2023-11-21. Review status: criteria provided, single submitter. Criteria: Ambry Variant Classification Scheme 2023. Collection method: clinical testing. Allele origin: germline.

GeneDx
Classification: Uncertain significance. Last evaluated: 2023-11-05. Review status: criteria provided, single submitter. Criteria: GeneDx Variant Classification Process June 2021. Collection method: clinical testing. Allele origin: germline. Affected: yes.
Comment: Not observed at significant frequency in large population cohorts (gnomAD); In silico analysis supports that this missense variant does not alter protein structure/function; Has not been previously published as pathogenic or benign to our knowledge

NM_004667.6(HERC2):c.3316G>C (p.Val1106Leu)

Gene: HERC2 (HECT and RLD domain containing E3 ubiquitin protein ligase 2; minus strand). Cytogenetic location: 15q13.1.
Variant type: single nucleotide variant.
Coding change: c.3316G>C on transcript NM_004667.6 (MANE Select); coding-DNA position 3316, G replaced by C.
Protein change: p.Val1106Leu; replaces valine 1106 with leucine.
Molecular consequence: missense variant.
Genome position (GRCh38, 1-based): chr15:28,246,817, C>G on the plus strand (G>C on the coding strand, the complement: HERC2 is on the minus strand). VCF-style: chr15-28246817-C-G. GRCh37 (hg19) VCF-style: chr15-28491963-C-G.
Other names: c.3316G>C (NM_004667.4); short protein forms V1106L.
Identifiers: ClinVar variation 1320946 (VCV001320946.5), dbSNP rs779645470, ClinGen allele CA7442934.
Genomic context (GRCh38, chr15:28,246,817, plus strand): 5'-CCACAATGTAAGCCACCTCCGCGAAGTGCCGCCAGCTGGTAGAAGCAATGCTGGCGGCCA[C>G]AGGCAGTATATCTCCAATGTGCGTGCACAGGAGGGCTGTGTACTTCTTCAGCAAGGAACC-3'
Protein context (NP_004658.3, residues 1096-1116): LCTHIGDILP[Val1106Leu]AASIASTSWR